The following is an entry in ClinVar:

ClinVar aggregate classification (germline): Likely benign (1 of 4 stars; one submission).

Conditions:
Junctional epidermolysis bullosa. Identifiers: Orphanet 305, MedGen C0079301, MONDO:0017612.

Allele frequency attached by ClinVar (database versions not stated): TOPMed below 0.00001; gnomAD 0.00001 and 0.00003; gnomAD exomes 0.00001; 1000 Genomes Project 30x 0.00047; 1000 Genomes Project 0.00060.
gnomAD v4.1: 11 of 1,041,170 alleles (0.0011%); highest among the groups gnomAD compares: East Asian, 0.027%; no homozygotes.

Submission:

Illumina Laboratory Services, Illumina
Classification: Likely benign for Junctional epidermolysis bullosa. Last evaluated: 2018-01-13. Review status: criteria provided, single submitter. Criteria: ICSL Variant Classification Criteria 13 December 2019. Collection method: clinical testing. Allele origin: germline.
Comment: This variant was observed in the ICSL laboratory as part of a predisposition screen in an ostensibly healthy population. It had not been previously curated by ICSL or reported in the Human Gene Mutation Database (HGMD: prior to June 1st, 2018), and was therefore a candidate for classification through an automated scoring system. Utilizing variant allele frequency, disease prevalence and penetrance estimates, and inheritance mode, an automated score was calculated to assess if this variant is too frequent to cause the disease. Based on the score and internal cut-off values, a variant classified as likely benign is not then subjected to further curation. The score for this variant resulted in a classification of likely benign for this disease.

NM_000228.3(LAMB3):c.*137T>C

Gene: LAMB3 (laminin subunit beta 3; minus strand). Cytogenetic location: 1q32.2.
Variant type: single nucleotide variant.
Coding change: c.*137T>C on transcript NM_000228.3 (MANE Select); 137 bases downstream of the stop codon, T replaced by C.
Molecular consequence: 3 prime UTR variant.
Genome position (GRCh38, 1-based): chr1:209,615,134, A>G on the plus strand (T>C on the coding strand, the complement: LAMB3 is on the minus strand). VCF-style: chr1-209615134-A-G. GRCh37 (hg19) VCF-style: chr1-209788479-A-G.
Other names: c.*137T>C (NM_001017402.2, NM_001127641.1).
Identifiers: ClinVar variation 874112 (VCV000874112.4), dbSNP rs549169984, ClinGen allele CA36742859.